The following is an entry in ClinVar:

NM_152564.5(VPS13B):c.2339A>G (p.Lys780Arg)

Gene: VPS13B (vacuolar protein sorting 13 homolog B; plus strand). Cytogenetic location: 8q22.2.
Variant type: single nucleotide variant.
Coding change: c.2339A>G on transcript NM_152564.5 (MANE Select); coding-DNA position 2339, A replaced by G.
Protein change: p.Lys780Arg; replaces lysine 780 with arginine.
Molecular consequence: missense variant.
Genome position (GRCh38, 1-based): chr8:99,192,881, A>G. VCF-style: chr8-99192881-A-G. GRCh37 (hg19) VCF-style: chr8-100205109-A-G.
Other names: c.2339A>G, p.Lys780Arg (NM_015243.3, NM_017890.5); short protein forms K780R.
Identifiers: ClinVar variation 5001273 (VCV005001273.1).
Genomic context (GRCh38, chr8:99,192,881, plus strand): 5'-TGTTGTCTGTAAATGCTATTTACTGTATTGCGATTCTTTCTGTTTTCTTGTGCAGGACCA[A>G]AAGATCTCAGATTGCTATAACTGAAGGTATATTTGAACTTCCAAATCTCACAATTCAAGC-3'
Protein context (NP_689777.3, residues 770-790): KLLKLPTCWT[Lys780Arg]RSQIAITEGI

ClinVar aggregate classification (germline): Uncertain significance (1 of 4 stars; one submission).

Conditions:
VPS13B-related disorder. Also called: VPS13B-related condition.

Submission:

PreventionGenetics, part of Exact Sciences
Classification: Uncertain significance for VPS13B-related condition. Last evaluated: 2025-05-12. Review status: criteria provided, single submitter. Criteria: ACMG Guidelines, 2015. Collection method: clinical testing. Allele origin: germline.
Comment: The VPS13B c.2339A>G variant is predicted to result in the amino acid substitution p.Lys780Arg. To our knowledge, this variant has not been reported in the literature or in a large population database (gnomAD), indicating this variant is rare. At this time, the clinical significance of this variant is uncertain due to the absence of conclusive functional and genetic evidence.